The following is an entry in ClinVar:

ClinVar aggregate classification (germline): Uncertain significance (1 of 4 stars; one submission).

Conditions:
Cardiovascular phenotype. Identifiers: MedGen CN230736.

gnomAD v4.1: 1 of 1,614,268 alleles (0.000062%); highest among the groups gnomAD compares: Non-Finnish European, 0.000085%; no homozygotes.

Submission:

Ambry Genetics
Classification: Uncertain significance for Cardiovascular phenotype. Last evaluated: 2025-06-23. Review status: criteria provided, single submitter. Criteria: Ambry Variant Classification Scheme 2023. Collection method: clinical testing. Allele origin: germline.
Comment: The p.V58M variant (also known as c.172G>A), located in coding exon 2 of the SCN2B gene, results from a G to A substitution at nucleotide position 172. The valine at codon 58 is replaced by methionine, an amino acid with highly similar properties. This amino acid position is conserved. In addition, this alteration is predicted to be tolerated by in silico analysis. Based on the available evidence, the clinical significance of this variant remains unclear.

NM_004588.5(SCN2B):c.172G>A (p.Val58Met)

Gene: SCN2B (sodium voltage-gated channel beta subunit 2; minus strand). Cytogenetic location: 11q23.3.
Variant type: single nucleotide variant.
Coding change: c.172G>A on transcript NM_004588.5 (MANE Select); coding-DNA position 172, G replaced by A.
Protein change: p.Val58Met; replaces valine 58 with methionine.
Molecular consequence: missense variant.
Genome position (GRCh38, 1-based): chr11:118,168,650, C>T on the plus strand (G>A on the coding strand, the complement: SCN2B is on the minus strand). VCF-style: chr11-118168650-C-T. GRCh37 (hg19) VCF-style: chr11-118039365-C-T.
Other names: short protein forms V58M.
Identifiers: ClinVar variation 4160606 (VCV004160606.1).